The following is an entry in ClinVar:

NM_000153.4(GALC):c.1168A>G (p.Lys390Glu)

Gene: GALC (galactosylceramidase; minus strand). Cytogenetic location: 14q31.3.
Variant type: single nucleotide variant.
Coding change: c.1168A>G on transcript NM_000153.4 (MANE Select); coding-DNA position 1168, A replaced by G.
Protein change: p.Lys390Glu; replaces lysine 390 with glutamic acid.
Molecular consequence: missense variant.
Genome position (GRCh38, 1-based): chr14:87,950,742, T>C on the plus strand (A>G on the coding strand, the complement: GALC is on the minus strand). VCF-style: chr14-87950742-T-C. GRCh37 (hg19) VCF-style: chr14-88417086-T-C.
Other names: c.1099A>G, p.Lys367Glu (NM_001201401.2); c.1090A>G, p.Lys364Glu (NM_001201402.2); short protein forms K390E, K364E, K367E.
Identifiers: ClinVar variation 1394459 (VCV001394459.4), dbSNP rs2139963715, ClinGen allele CA390747088.

ClinVar aggregate classification (germline): Uncertain significance (1 of 4 stars; one submission).

Conditions:
Galactosylceramide beta-galactosidase deficiency. Also called: Krabbe Disease; GALACTOCEREBROSIDASE DEFICIENCY; GALC DEFICIENCY; GLOBOID CELL LEUKOENCEPHALOPATHY; Leukodystrophy, Globoid Cell. Identifiers: Orphanet 487, MedGen C0023521, MONDO:0009499, OMIM 245200.

Submission:

Labcorp Genetics (formerly Invitae), Labcorp
Classification: Uncertain significance for Galactosylceramide beta-galactosidase deficiency. Last evaluated: 2025-08-13. Review status: criteria provided, single submitter. Criteria: Invitae Variant Classification Sherloc (09022015). Collection method: clinical testing. Allele origin: germline.
Comment: This sequence change replaces lysine, which is basic and polar, with glutamic acid, which is acidic and polar, at codon 390 of the GALC protein (p.Lys390Glu). This variant is not present in population databases (gnomAD no frequency). This variant has not been reported in the literature in individuals affected with GALC-related conditions. ClinVar contains an entry for this variant (Variation ID: 1394459). Invitae Evidence Modeling of protein sequence and biophysical properties (such as structural, functional, and spatial information, amino acid conservation, physicochemical variation, residue mobility, and thermodynamic stability) indicates that this missense variant is not expected to disrupt GALC protein function with a negative predictive value of 95%. In summary, the available evidence is currently insufficient to determine the role of this variant in disease. Therefore, it has been classified as a Variant of Uncertain Significance.